The following is an entry in ClinVar:

ClinVar aggregate classification (germline): Likely benign. Review status: criteria provided, multiple submitters, no conflicts (2 of 4 stars). 5 submissions from 5 submitters: Likely benign (5). Last evaluated 2025-12-30.

Conditions:
LOX-related disorder. Also called: LOX-related disorders; LOX-related condition.
Aortic aneurysm, familial thoracic 10 (AAT10). Identifiers: MedGen C4284414, MONDO:0014950, OMIM 617168.
Cardiovascular phenotype. Identifiers: MedGen CN230736.

Allele frequency attached by ClinVar (database versions not stated): gnomAD exomes 0.00001; ExAC 0.00005; gnomAD 0.00019; ESP Exome Variant Server 0.00023; TOPMed 0.00026.
gnomAD v4.1: 48 of 1,612,740 alleles (0.003%); highest among the groups gnomAD compares: African/African-American, 0.056%; 1 homozygote.

Submissions (5):

Labcorp Genetics (formerly Invitae), Labcorp
Classification: Likely benign. Last evaluated: 2025-12-30. Review status: criteria provided, single submitter. Criteria: Invitae Variant Classification Sherloc (09022015). Collection method: clinical testing. Allele origin: germline.

ARUP Laboratories, Molecular Genetics and Genomics, ARUP Laboratories
Classification: Likely benign for Aortic aneurysm, familial thoracic 10. Last evaluated: 2024-11-18. Review status: criteria provided, single submitter. Criteria: ARUP Molecular Germline Variant Investigation Process 2024. Collection method: clinical testing. Allele origin: germline.

PreventionGenetics, part of Exact Sciences
Classification: Likely benign for LOX-related condition. Last evaluated: 2024-11-10. Review status: criteria provided, single submitter. Criteria: ACMG Guidelines, 2015. Collection method: clinical testing. Allele origin: germline.
Comment: This variant is classified as likely benign based on ACMG/AMP sequence variant interpretation guidelines (Richards et al. 2015 PMID: 25741868, with internal and published modifications).

Ambry Genetics
Classification: Likely benign for Cardiovascular phenotype. Last evaluated: 2022-03-03. Review status: criteria provided, single submitter. Criteria: Ambry Variant Classification Scheme 2023. Collection method: clinical testing. Allele origin: germline.

Blueprint Genetics
Classification: Likely benign. Last evaluated: 2020-08-28. Review status: criteria provided, single submitter. Criteria: ACMG Guidelines, 2015. Collection method: clinical testing. Allele origin: germline.

NM_002317.7(LOX):c.405C>A (p.Arg135=)

Genes: SRFBP1 (serum response factor binding protein 1; plus strand), LOX (lysyl oxidase; minus strand). Cytogenetic location: 5q23.1.
Variant type: single nucleotide variant.
Coding change: c.405C>A on transcript NM_002317.7 (MANE Select); coding-DNA position 405, C replaced by A.
Protein change: p.Arg135=; no amino-acid change (arginine 135 retained).
Molecular consequence: synonymous variant.
Genome position (GRCh38, 1-based): chr5:122,077,581, G>T on the plus strand (C>A on the coding strand, the complement: LOX is on the minus strand). VCF-style: chr5-122077581-G-T. GRCh37 (hg19) VCF-style: chr5-121413276-G-T.
Other names: c.405C>A (NM_002317.6).
Identifiers: ClinVar variation 1737447 (VCV001737447.10), dbSNP rs145419954, ClinGen allele CA3384043.